The following is an entry in ClinVar:

NM_001040716.2(PC):c.2195G>A (p.Arg732Gln)

Gene: PC (pyruvate carboxylase; minus strand). Cytogenetic location: 11q13.2.
Variant type: single nucleotide variant.
Coding change: c.2195G>A on transcript NM_001040716.2 (MANE Select); coding-DNA position 2195, G replaced by A.
Protein change: p.Arg732Gln; replaces arginine 732 with glutamine.
Molecular consequence: missense variant.
Genome position (GRCh38, 1-based): chr11:66,851,068, C>T on the plus strand (G>A on the coding strand, the complement: PC is on the minus strand). VCF-style: chr11-66851068-C-T. GRCh37 (hg19) VCF-style: chr11-66618539-C-T.
Other names: p.R732Q:CGA>CAA; c.2195G>A, p.Arg732Gln (NM_000920.4, NM_022172.3); short protein forms R732Q.
Identifiers: ClinVar variation 203899 (VCV000203899.5), dbSNP rs773872994, ClinGen allele CA312857.

ClinVar aggregate classification (germline): Conflicting classifications of pathogenicity. Review status: criteria provided, conflicting classifications (1 of 4 stars). 3 submissions from 3 submitters: Uncertain significance (1); Likely benign (2). Last evaluated 2025-10-20.

Conditions:
Inborn genetic diseases. Identifiers: MedGen C0950123, MeSH D030342.
Pyruvate carboxylase deficiency. Also called: LEIGH NECROTIZING ENCEPHALOPATHY DUE TO PYRUVATE CARBOXYLASE DEFICIENCY; LEIGH SYNDROME DUE TO PYRUVATE CARBOXYLASE DEFICIENCY; PC DEFICIENCY; ATAXIA WITH LACTIC ACIDOSIS II; Pyruvate Carboxylase Deficiency Disease. Identifiers: Orphanet 3008, MedGen C0034341, MONDO:0009949, OMIM 266150.

Allele frequency attached by ClinVar (database versions not stated): gnomAD 0.00001; ExAC 0.00002; TOPMed 0.00002; gnomAD exomes 0.00003 and 0.00004.
gnomAD v4.1: 63 of 1,613,020 alleles (0.0039%); highest among the groups gnomAD compares: Middle Eastern, 0.016%; no homozygotes.

Submissions (3):

Labcorp Genetics (formerly Invitae), Labcorp
Classification: Likely benign for Pyruvate carboxylase deficiency. Last evaluated: 2025-10-20. Review status: criteria provided, single submitter. Criteria: Invitae Variant Classification Sherloc (09022015). Collection method: clinical testing. Allele origin: germline.

Ambry Genetics
Classification: Uncertain significance for Inborn genetic diseases. Last evaluated: 2024-08-19. Review status: criteria provided, single submitter. Criteria: Ambry Variant Classification Scheme 2023. Collection method: clinical testing. Allele origin: germline.

GeneDx
Classification: Likely benign. Last evaluated: 2012-05-21. Review status: criteria provided, single submitter. Criteria: GeneDx Variant Classification (06012015). Collection method: clinical testing. Allele origin: germline. Affected: yes.
Comment: This variant is considered likely benign or benign based on one or more of the following criteria: it is a conservative change, it occurs at a poorly conserved position in the protein, it is predicted to be benign by multiple in silico algorithms, and/or has population frequency not consistent with disease.